The following is an entry in ClinVar:

ClinVar aggregate classification (germline): Uncertain significance (1 of 4 stars; one submission).

Conditions:
Hereditary cancer-predisposing syndrome. Also called: Neoplastic Syndromes, Hereditary; Tumor predisposition; Hereditary Cancer Syndrome; Hereditary neoplastic syndrome. Identifiers: Orphanet 140162, MedGen C0027672, MeSH D009386, MONDO:0015356.

Submission:

Ambry Genetics
Classification: Uncertain significance for Hereditary cancer-predisposing syndrome. Last evaluated: 2018-11-28. Review status: criteria provided, single submitter. Criteria: Ambry Variant Classification Scheme 2023. Collection method: clinical testing. Allele origin: germline.
Comment: The p.I258F variant (also known as c.772A>T), located in coding exon 4 of the MSH6 gene, results from an A to T substitution at nucleotide position 772. The isoleucine at codon 258 is replaced by phenylalanine, an amino acid with highly similar properties. This amino acid position is not well conserved in available vertebrate species. In addition, this alteration is predicted to be tolerated by in silico analysis. Since supporting evidence is limited at this time, the clinical significance of this alteration remains unclear.

NM_000179.3(MSH6):c.772A>T (p.Ile258Phe)

Gene: MSH6 (mutS homolog 6; plus strand). Cytogenetic location: 2p16.3.
Variant type: single nucleotide variant.
Coding change: c.772A>T on transcript NM_000179.3 (MANE Select); coding-DNA position 772, A replaced by T.
Protein change: p.Ile258Phe; replaces isoleucine 258 with phenylalanine.
Molecular consequence: missense variant. On other transcripts: 5 prime UTR variant (2).
Genome position (GRCh38, 1-based): chr2:47,798,755, A>T. VCF-style: chr2-47798755-A-T. GRCh37 (hg19) VCF-style: chr2-48025894-A-T.
Other names: c.382A>T, p.Ile128Phe (NM_001281492.2); c.-135A>T (NM_001281493.2, NM_001281494.2); short protein forms I258F, I128F.
Identifiers: ClinVar variation 232900 (VCV000232900.5), dbSNP rs786202565, ClinGen allele CA10578044.